The following is an entry in ClinVar:

NM_004329.3(BMPR1A):c.1300G>A (p.Gly434Ser)

Gene: BMPR1A (bone morphogenetic protein receptor type 1A; plus strand). Cytogenetic location: 10q23.2.
Variant type: single nucleotide variant.
Coding change: c.1300G>A on transcript NM_004329.3 (MANE Select); coding-DNA position 1300, G replaced by A.
Protein change: p.Gly434Ser; replaces glycine 434 with serine.
Molecular consequence: missense variant.
Genome position (GRCh38, 1-based): chr10:86,921,653, G>A. VCF-style: chr10-86921653-G-A. GRCh37 (hg19) VCF-style: chr10-88681410-G-A.
Other names: p.G434S:GGC>AGC; short protein forms G434S.
Identifiers: ClinVar variation 127900 (VCV000127900.29), dbSNP rs587780108, ClinGen allele CA288005.

ClinVar aggregate classification (germline): Conflicting classifications of pathogenicity. Review status: criteria provided, conflicting classifications (1 of 4 stars). 8 submissions from 8 submitters: Uncertain significance (7); Likely benign (1). Last evaluated 2026-01-20.

Conditions:
Polyposis syndrome, hereditary mixed, 2. Identifiers: Orphanet 157794, MedGen C1864730, MONDO:0012405, OMIM 610069.
Juvenile polyposis syndrome (JPS). Identifiers: Orphanet 2929, MedGen C0345893, MONDO:0017380, OMIM 174900.
Hereditary cancer-predisposing syndrome. Also called: Tumor predisposition; Hereditary Cancer Syndrome; Neoplastic Syndromes, Hereditary; Hereditary neoplastic syndrome. Identifiers: Orphanet 140162, MedGen C0027672, MeSH D009386, MONDO:0015356.

Allele frequency attached by ClinVar (database versions not stated): gnomAD exomes below 0.00001 and 0.00004; gnomAD 0.00002; TOPMed 0.00002.
gnomAD v4.1: 58 of 1,614,000 alleles (0.0036%); highest among the groups gnomAD compares: Middle Eastern, 0.016%; no homozygotes.

Submissions (8):

Labcorp Genetics (formerly Invitae), Labcorp
Classification: Uncertain significance for Juvenile polyposis syndrome. Last evaluated: 2026-01-20. Review status: criteria provided, single submitter. Criteria: Invitae Variant Classification Sherloc (09022015). Collection method: clinical testing. Allele origin: germline.
Comment: This sequence change replaces glycine, which is neutral and non-polar, with serine, which is neutral and polar, at codon 434 of the BMPR1A protein (p.Gly434Ser). This variant is present in population databases (rs587780108, gnomAD 0.003%). This variant has not been reported in the literature in individuals affected with BMPR1A-related conditions. ClinVar contains an entry for this variant (Variation ID: 127900). Invitae Evidence Modeling incorporating data from in vitro experimental studies (internal data) indicates that this missense variant is not expected to disrupt BMPR1A function with a negative predictive value of 95%. In summary, the available evidence is currently insufficient to determine the role of this variant in disease. Therefore, it has been classified as a Variant of Uncertain Significance.

All of Us Research Program, National Institutes of Health
Classification: Uncertain significance for Juvenile polyposis syndrome. Last evaluated: 2024-07-20. Review status: criteria provided, single submitter. Criteria: ACMG Guidelines, 2015. Collection method: clinical testing. Allele origin: germline. Inheritance: Autosomal dominant inheritance. Observed: 7 variant alleles, 7 heterozygotes.
Comment: This missense variant replaces glycine with serine at codon 434 of the BMPR1A protein. Computational prediction suggests that this variant may have deleterious impact on protein structure and function (internally defined REVEL score threshold >= 0.7, PMID: 27666373). To our knowledge, functional studies have not been reported for this variant. This variant has not been reported in individuals affected with BMPR1A-related disorders in the literature. This variant has been identified in 3/282902 chromosomes in the general population by the Genome Aggregation Database (gnomAD). The available evidence is insufficient to determine the role of this variant in disease conclusively. Therefore, this variant is classified as a Variant of Uncertain Significance.

This study involves interpretation of variants in research participants for the purpose of population health screening. Participant phenotype was not available at the time of variant classification. Additional details can be found in publication PMID: 35346344, PMCID: PMC8962531

Baylor Genetics
Classification: Uncertain significance for Polyposis syndrome, hereditary mixed, 2. Last evaluated: 2024-03-14. Review status: criteria provided, single submitter. Criteria: ACMG Guidelines, 2015. Collection method: clinical testing. Allele origin: unknown.

Color Diagnostics, LLC DBA Color Health
Classification: Uncertain significance for Hereditary cancer-predisposing syndrome. Last evaluated: 2024-03-06. Review status: criteria provided, single submitter. Criteria: ACMG Guidelines, 2015. Collection method: clinical testing. Allele origin: germline.
Comment: This missense variant replaces glycine with serine at codon 434 of the BMPR1A protein. Computational prediction suggests that this variant may have deleterious impact on protein structure and function (internally defined REVEL score threshold >= 0.7, PMID: 27666373). To our knowledge, functional studies have not been reported for this variant. This variant has not been reported in individuals affected with BMPR1A-related disorders in the literature. This variant has been identified in 3/282902 chromosomes in the general population by the Genome Aggregation Database (gnomAD). The available evidence is insufficient to determine the role of this variant in disease conclusively. Therefore, this variant is classified as a Variant of Uncertain Significance.

Ambry Genetics
Classification: Likely benign for Hereditary cancer-predisposing syndrome. Last evaluated: 2023-03-29. Review status: criteria provided, single submitter. Criteria: Ambry Variant Classification Scheme 2023. Collection method: clinical testing. Allele origin: germline.

Fulgent Genetics
Classification: Uncertain significance for Juvenile polyposis syndrome; Polyposis syndrome, hereditary mixed, 2. Last evaluated: 2021-07-22. Review status: criteria provided, single submitter. Criteria: ACMG Guidelines, 2015. Collection method: clinical testing. Allele origin: unknown.

GeneDx
Classification: Uncertain significance. Last evaluated: 2020-01-13. Review status: criteria provided, single submitter. Criteria: GeneDx Variant Classification Process June 2021. Collection method: clinical testing. Allele origin: germline. Affected: yes.
Comment: Not observed at a significant frequency in large population cohorts (Lek et al., 2016); In silico analysis, which includes protein predictors and evolutionary conservation, supports a deleterious effect; Has not been previously published as pathogenic or benign to our knowledge

Quest Diagnostics Nichols Institute San Juan Capistrano
Classification: Uncertain significance. Last evaluated: 2018-11-01. Review status: criteria provided, single submitter. Criteria: Quest Diagnostics criteria. Collection method: clinical testing. Allele origin: germline.